The following is an entry in ClinVar:

ClinVar aggregate classification (germline): Benign (1 of 4 stars; one submission).

Submission:

ISCA site 4
Classification: Benign. Last evaluated: 2011-08-12. Review status: criteria provided, single submitter. Criteria: Kaminsky et al. (Genet Med. 2011). Collection method: clinical testing. Allele origin: unknown. Affected: yes. Observed: 1 variant allele.
Comment: Copy number variation identified through the course of routine clinical cytogenomic testing in postnatal populations. Clinical assertions have been curated as described in Kaminsky et al. 2011.

GRCh38/hg38 15q13.2(chr15:30662523-30891704)x3

Genes: LOC106736476 (proximal CHRNA7 low-copy repeat recombination region; plus strand), LOC129390679 (MPRA-validated peak2284 silencer; plus strand), LOC129390680 (MPRA-validated peak2285 silencer; plus strand). Cytogenetic location: 15q13.2.
Variant type: copy number gain.
Change: copy number 3 (three copies instead of two) of chr15:30,662,523-30,891,704 (229.2 kb, GRCh38 coordinates, 1-based), cytogenetic band 15q13.2.
Identifiers: ClinVar variation 57450 (VCV000057450.1).